The following is an entry in ClinVar:

NM_001256715.2(DNAAF3):c.357C>G (p.Asn119Lys)

Genes: DNAAF3-AS1 (DNAAF3 antisense RNA 1; plus strand), DNAAF3 (dynein axonemal assembly factor 3; minus strand). Cytogenetic location: 19q13.42.
Variant type: single nucleotide variant.
Coding change: c.357C>G on transcript NM_001256715.2 (MANE Select); coding-DNA position 357, C replaced by G.
Protein change: p.Asn119Lys; replaces asparagine 119 with lysine.
Molecular consequence: missense variant.
Genome position (GRCh38, 1-based): chr19:55,162,256, G>C on the plus strand (C>G on the coding strand, the complement: DNAAF3 is on the minus strand). VCF-style: chr19-55162256-G-C. GRCh37 (hg19) VCF-style: chr19-55673624-G-C.
Other names: c.561C>G, p.Asn187Lys (NM_001256714.1); c.195C>G, p.Asn65Lys (NM_001256716.2); c.498C>G, p.Asn166Lys (NM_178837.4); short protein forms N119K, N166K, N65K, N187K.
Identifiers: ClinVar variation 2748901 (VCV002748901.3), dbSNP rs1165524335, ClinGen allele CA407458134.

ClinVar aggregate classification (germline): Uncertain significance (1 of 4 stars; one submission).

Conditions:
Primary ciliary dyskinesia. Also called: Ciliary dyskinesia. Identifiers: Orphanet 244, MedGen C0008780, MONDO:0016575, HP:0012265.

gnomAD v4.1: 4 of 1,250,172 alleles (0.00032%); highest among the groups gnomAD compares: Non-Finnish European, 0.0004%; no homozygotes.

Submission:

Labcorp Genetics (formerly Invitae), Labcorp
Classification: Uncertain significance for Primary ciliary dyskinesia. Last evaluated: 2023-05-29. Review status: criteria provided, single submitter. Criteria: Invitae Variant Classification Sherloc (09022015). Collection method: clinical testing. Allele origin: germline.
Comment: In summary, the available evidence is currently insufficient to determine the role of this variant in disease. Therefore, it has been classified as a Variant of Uncertain Significance. This sequence change replaces asparagine, which is neutral and polar, with lysine, which is basic and polar, at codon 187 of the DNAAF3 protein (p.Asn187Lys). This variant is not present in population databases (gnomAD no frequency). This missense change has been observed in individual(s) with primary ciliary dyskinesia (Invitae). Advanced modeling of protein sequence and biophysical properties (such as structural, functional, and spatial information, amino acid conservation, physicochemical variation, residue mobility, and thermodynamic stability) performed at Invitae indicates that this missense variant is expected to disrupt DNAAF3 protein function.